The following is an entry in ClinVar:

ClinVar aggregate classification (germline): Uncertain significance (1 of 4 stars; one submission).

Conditions:
Autosomal recessive Alport syndrome (ATS2). Also called: COL4A4 Alport Syndrome and Thin Basement Membrane Nephropathy; ALPORT SYNDROME 2, AUTOSOMAL RECESSIVE; Alport syndrome type 2; COL4A3-Related Nephropathy. Identifiers: Orphanet 63, Orphanet 88919, MedGen C4746745, MONDO:0008762, OMIM 203780.

Submission:

Dasa
Classification: Uncertain significance for Autosomal recessive Alport syndrome. Last evaluated: 2025-12-22. Review status: criteria provided, single submitter. Criteria: DASA Assertion Criteria. Collection method: clinical testing. Allele origin: germline.
Comment: NM_000092.5(COL4A4):c.*336A>G is a sequence variant. This variant is rare in population databases. The currently available literature and clinical evidence are not sufficient to establish a definitive association between this variant and the reported condition. Therefore, this variant is classified as a variant of uncertain significance.

NM_000092.5(COL4A4):c.*336A>G

Gene: COL4A4 (collagen type IV alpha 4 chain; minus strand). Cytogenetic location: 2q36.3.
Variant type: single nucleotide variant.
Coding change: c.*336A>G on transcript NM_000092.5 (MANE Select); 336 bases downstream of the stop codon, A replaced by G.
Molecular consequence: 3 prime UTR variant.
Genome position (GRCh38, 1-based): chr2:227,006,989, T>C on the plus strand (A>G on the coding strand, the complement: COL4A4 is on the minus strand). VCF-style: chr2-227006989-T-C. GRCh37 (hg19) VCF-style: chr2-227871705-T-C.
Identifiers: ClinVar variation 4881856 (VCV004881856.2).